The following is an entry in ClinVar:

NM_020549.5(CHAT):c.1007T>C (p.Ile336Thr)

Gene: CHAT (choline O-acetyltransferase; plus strand). Cytogenetic location: 10q11.23.
Variant type: single nucleotide variant.
Coding change: c.1007T>C on transcript NM_020549.5 (MANE Select); coding-DNA position 1007, T replaced by C.
Protein change: p.Ile336Thr; replaces isoleucine 336 with threonine.
Molecular consequence: missense variant.
Genome position (GRCh38, 1-based): chr10:49,627,681, T>C. VCF-style: chr10-49627681-T-C. GRCh37 (hg19) VCF-style: chr10-50835727-T-C.
Other names: c.653T>C, p.Ile218Thr (NM_020984.4, NM_020985.4, NM_020986.4 and 2 more transcripts); c.761T>C, p.Ile254Thr (NM_001142933.2); short protein forms I218T, I254T, I336T.
Identifiers: ClinVar variation 17515 (VCV000017515.29), dbSNP rs121912823, ClinGen allele CA258002.

ClinVar aggregate classification (germline): Pathogenic/Likely pathogenic. Review status: criteria provided, multiple submitters, no conflicts (2 of 4 stars). 6 submissions from 6 submitters: Pathogenic (2); Likely pathogenic (2). 2 of the submissions do not count toward it. Last evaluated 2026-04-14.

Conditions:
Familial infantile myasthenia (CMS6). Also called: MYASTHENIC SYNDROME, PRESYNAPTIC, CONGENITAL, ASSOCIATED WITH EPISODIC APNEA; Congenital myasthenic syndrome type 6; MYASTHENIC SYNDROME, CONGENITAL, 6, PRESYNAPTIC. Identifiers: Orphanet 590, MedGen C0393929, MONDO:0009689, OMIM 254210.
Abnormality of the musculature. Identifiers: MedGen C4021745, HP:0003011.

Allele frequency attached by ClinVar (database versions not stated): ExAC 0.00001; gnomAD exomes below 0.00001.
gnomAD v4.1: 3 of 1,614,144 alleles (0.00019%); highest among the groups gnomAD compares: Non-Finnish European, 0.000085%; no homozygotes.

Submissions (6):

Pediatric Neurology, Ankara Etlik City Hospital, Health Sciences University
Classification: Likely pathogenic for Familial infantile myasthenia. Last evaluated: 2026-04-14. Review status: criteria provided, single submitter. Criteria: ACMG Guidelines, 2015. Collection method: clinical testing. Allele origin: germline. Inheritance: Autosomal recessive inheritance. Affected: yes. Observed: 1 variant allele, 1 compound heterozygote.
Comment: PM2 PM5 PP3; observed in compound heterozygosity with CHAT c.917T>C.

Baylor Genetics
Classification: Pathogenic for Familial infantile myasthenia. Last evaluated: 2024-03-28. Review status: criteria provided, single submitter. Criteria: ACMG Guidelines, 2015. Collection method: clinical testing. Allele origin: unknown.

Labcorp Genetics (formerly Invitae), Labcorp
Classification: Pathogenic for Familial infantile myasthenia. Last evaluated: 2023-06-19. Review status: criteria provided, single submitter. Criteria: Invitae Variant Classification Sherloc (09022015). Collection method: clinical testing. Allele origin: germline.
Comment: For these reasons, this variant has been classified as Pathogenic. This sequence change replaces isoleucine, which is neutral and non-polar, with threonine, which is neutral and polar, at codon 336 of the CHAT protein (p.Ile336Thr). This variant is present in population databases (rs121912823, gnomAD 0.006%). This missense change has been observed in individuals with congenital myasthenic syndrome (PMID: 12609506). It has also been observed to segregate with disease in related individuals. ClinVar contains an entry for this variant (Variation ID: 17515). Advanced modeling of protein sequence and biophysical properties (such as structural, functional, and spatial information, amino acid conservation, physicochemical variation, residue mobility, and thermodynamic stability) performed at Invitae indicates that this missense variant is expected to disrupt CHAT protein function.

Kariminejad - Najmabadi Pathology & Genetics Center
Classification: Likely pathogenic for Abnormality of the musculature. Last evaluated: 2021-07-10. Review status: criteria provided, single submitter. Criteria: ACMG Guidelines, 2015. Collection method: clinical testing. Allele origin: germline. Affected: yes.

Neuromuscular Department, Shariati Hospital, Tehran University of Medical Sciences
Classification: Pathogenic for Familial infantile myasthenia. Last evaluated: 2016-03-03. Review status: no assertion criteria provided. Collection method: clinical testing. Allele origin: germline. Inheritance: Autosomal recessive inheritance. Affected: yes. Not counted in ClinVar's aggregate classification.

OMIM
Classification: Pathogenic for MYASTHENIC SYNDROME, CONGENITAL, 6, PRESYNAPTIC. Last evaluated: 2003-05-01. Review status: no assertion criteria provided. Collection method: literature only. Allele origin: germline. Not counted in ClinVar's aggregate classification.

Literature cited by the submitters: PubMed 26789281 (cited by Pediatric Neurology, Ankara Etlik City Hospital, Health Sciences University); PubMed 12609506 (cited by Labcorp Genetics (formerly Invitae), Labcorp); PubMed 12756141 (cited by OMIM).